The following is an entry in ClinVar:

NM_017849.4(TMEM127):c.407C>T (p.Thr136Met)

Gene: TMEM127 (transmembrane protein 127; minus strand). Cytogenetic location: 2q11.2.
Variant type: single nucleotide variant.
Coding change: c.407C>T on transcript NM_017849.4 (MANE Select); coding-DNA position 407, C replaced by T.
Protein change: p.Thr136Met; replaces threonine 136 with methionine.
Molecular consequence: missense variant.
Genome position (GRCh38, 1-based): chr2:96,254,835, G>A on the plus strand (C>T on the coding strand, the complement: TMEM127 is on the minus strand). VCF-style: chr2-96254835-G-A. GRCh37 (hg19) VCF-style: chr2-96920573-G-A.
Other names: c.407C>T, p.Thr136Met (NM_001193304.3); short protein forms T136M.
Identifiers: ClinVar variation 571648 (VCV000571648.14), dbSNP rs759138897, ClinGen allele CA1777328.

ClinVar aggregate classification (germline): Uncertain significance. Review status: criteria provided, multiple submitters, no conflicts (2 of 4 stars). 4 submissions from 4 submitters: Uncertain significance (4). Last evaluated 2025-12-21.

Conditions:
Hereditary cancer-predisposing syndrome. Also called: Neoplastic Syndromes, Hereditary; Hereditary Cancer Syndrome; Tumor predisposition; Hereditary neoplastic syndrome. Identifiers: Orphanet 140162, MedGen C0027672, MeSH D009386, MONDO:0015356.
Hereditary pheochromocytoma and paraganglioma. Also called: Hereditary Paraganglioma-Pheochromocytoma Syndromes; Hereditary paragangliomas and pheochromocytomas; Hereditary pheochromocytoma-paraganglioma. Identifiers: Orphanet 29072, MedGen C4274332, MONDO:0017366.
Pheochromocytoma. Also called: MAX-Related Hereditary Paraganglioma-Pheochromocytoma Syndrome. Identifiers: Orphanet 29072, MedGen C0031511, MONDO:0008233, OMIM 171300, HP:0002666.

Allele frequency attached by ClinVar (database versions not stated): TOPMed 0.00001; gnomAD 0.00003.
gnomAD v4.1: 31 of 1,613,958 alleles (0.0019%); highest among the groups gnomAD compares: African/African-American, 0.0053%; no homozygotes.

Submissions (4):

Labcorp Genetics (formerly Invitae), Labcorp
Classification: Uncertain significance for Hereditary pheochromocytoma and paraganglioma. Last evaluated: 2025-12-21. Review status: criteria provided, single submitter. Criteria: Invitae Variant Classification Sherloc (09022015). Collection method: clinical testing. Allele origin: germline.
Comment: This sequence change replaces threonine, which is neutral and polar, with methionine, which is neutral and non-polar, at codon 136 of the TMEM127 protein (p.Thr136Met). This variant is present in population databases (no rsID available, gnomAD 0.006%). This variant has not been reported in the literature in individuals affected with TMEM127-related conditions. ClinVar contains an entry for this variant (Variation ID: 571648). An algorithm developed to predict the effect of missense changes on protein structure and function (PolyPhen-2) suggests that this variant is likely to be disruptive. In summary, the available evidence is currently insufficient to determine the role of this variant in disease. Therefore, it has been classified as a Variant of Uncertain Significance.

Ambry Genetics
Classification: Uncertain significance for Hereditary cancer-predisposing syndrome. Last evaluated: 2025-08-01. Review status: criteria provided, single submitter. Criteria: Ambry Variant Classification Scheme 2023. Collection method: clinical testing. Allele origin: germline.
Comment: The p.T136M variant (also known as c.407C>T), located in coding exon 2 of the TMEM127 gene, results from a C to T substitution at nucleotide position 407. The threonine at codon 136 is replaced by methionine, an amino acid with similar properties. This amino acid position is highly conserved in available vertebrate species. In addition, this alteration is predicted to be deleterious by in silico analysis. Based on the available evidence, the clinical significance of this variant remains unclear.

GeneDx
Classification: Uncertain significance. Last evaluated: 2024-06-24. Review status: criteria provided, single submitter. Criteria: GeneDx Variant Classification Process June 2021. Collection method: clinical testing. Allele origin: germline. Affected: yes.
Comment: In silico analysis supports that this missense variant has a deleterious effect on protein structure/function; Has not been previously published as pathogenic or benign to our knowledge; This variant is associated with the following publications: (PMID: 21156949)

Fulgent Genetics
Classification: Uncertain significance for Pheochromocytoma. Last evaluated: 2024-04-18. Review status: criteria provided, single submitter. Criteria: ACMG Guidelines, 2015. Collection method: clinical testing. Allele origin: germline.